The following is an entry in ClinVar:

ClinVar aggregate classification (germline): Benign. Review status: criteria provided, multiple submitters, no conflicts (2 of 4 stars). 3 submissions from 3 submitters: Benign (2). 1 of the submissions does not count toward it. Last evaluated 2019-12-31.

Conditions:
PTPRD-related disorder. Also called: PTPRD-related condition.

Allele frequency attached by ClinVar (database versions not stated): ESP Exome Variant Server 0.00023; gnomAD exomes 0.00323 and 0.00989; gnomAD 0.00441 and 0.00516; TOPMed 0.00679; ExAC 0.00796; 1000 Genomes Project 30x 0.01343; 1000 Genomes Project 0.01498.
gnomAD v4.1: 5,586 of 1,614,202 alleles (0.35%); highest among the groups gnomAD compares: East Asian, 6.2%; 162 homozygotes.

Submissions (3):

Labcorp Genetics (formerly Invitae), Labcorp
Classification: Benign. Last evaluated: 2019-12-31. Review status: criteria provided, single submitter. Criteria: Invitae Variant Classification Sherloc (09022015). Collection method: clinical testing. Allele origin: germline.

Breakthrough Genomics
Classification: Benign. Review status: criteria provided, single submitter. Criteria: ACMG Guidelines, 2015. Collection method: not provided. Allele origin: germline. Inheritance: Unknown mechanism. Affected: yes.

PreventionGenetics, part of Exact Sciences
Classification: Benign for PTPRD-related condition. Last evaluated: 2019-02-21. Review status: no assertion criteria provided. Collection method: clinical testing. Allele origin: germline. Not counted in ClinVar's aggregate classification.
Comment: This variant is classified as benign based on ACMG/AMP sequence variant interpretation guidelines (Richards et al. 2015 PMID: 25741868, with internal and published modifications).

NM_002839.4(PTPRD):c.2889C>T (p.Ile963=)

Genes: PTPRD (protein tyrosine phosphatase receptor type D; minus strand), LOC126860578 (MED14-independent group 3 enhancer GRCh37_chr9:8485393-8486592; plus strand). Cytogenetic location: 9p24.1.
Variant type: single nucleotide variant.
Coding change: c.2889C>T on transcript NM_002839.4 (MANE Select); coding-DNA position 2889, C replaced by T.
Protein change: p.Ile963=; no amino-acid change (isoleucine 963 retained).
Molecular consequence: synonymous variant. On other transcripts: intron variant (7).
Genome position (GRCh38, 1-based): chr9:8,485,928, G>A on the plus strand (C>T on the coding strand, the complement: PTPRD is on the minus strand). VCF-style: chr9-8485928-G-A. GRCh37 (hg19) VCF-style: chr9-8485928-G-A.
Other names: c.2889C>T, p.Ile963= (NM_001377958.1, NM_001378058.1); c.1793-604C>T (NM_001171025.2); c.1805-604C>T (NM_001377946.1); c.1814-601C>T (NM_001377947.1); c.1823-604C>T (NM_130391.4, NM_130392.3); c.1814-604C>T (NM_001040712.2); c.1805-601C>T (NM_130393.3).
Identifiers: ClinVar variation 770198 (VCV000770198.7), dbSNP rs3824417, ClinGen allele CA4983987.
Genomic context (GRCh38, chr9:8,485,928, plus strand): 5'-GCCAGTGAGTGTCATAGTGGTGTCAGCTGGAACAATAAGCTGCTCCATCGGGAGAAGGGG[G>A]ATGTTGATATCCCTATAAAGAAGGGTATACTTGGTGATAATGCCATTTCTCTCTGCCAGG-3'
Protein context (NP_002830.1, residues 953-973): KYTLLYRDIN[Ile963=]PLLPMEQLIV